The following is an entry in ClinVar:

NM_000156.6(GAMT):c.311C>T (p.Pro104Leu)

Gene: GAMT (guanidinoacetate N-methyltransferase; minus strand). Cytogenetic location: 19p13.3.
Variant type: single nucleotide variant.
Coding change: c.311C>T on transcript NM_000156.6 (MANE Select); coding-DNA position 311, C replaced by T.
Protein change: p.Pro104Leu; replaces proline 104 with leucine.
Molecular consequence: missense variant.
Genome position (GRCh38, 1-based): chr19:1,399,809, G>A on the plus strand (C>T on the coding strand, the complement: GAMT is on the minus strand). VCF-style: chr19-1399809-G-A. GRCh37 (hg19) VCF-style: chr19-1399808-G-A.
Other names: c.311C>T, p.Pro104Leu (NM_138924.3); short protein forms P104L.
Identifiers: ClinVar variation 655963 (VCV000655963.8), dbSNP rs368864187, ClinGen allele CA9043743.
Genomic context (GRCh38, chr19:1,399,809, plus strand): 5'-CCCAAGGAGTGGGGGTCCTGGAGGGCCTGCGGGCAGAGGGGCACCTTGTGTGTCTGCCGT[G>A]GGGCCCAGTCCCGGAGCCGCTGGAAGACGCCGTCATTGCACTCGATGATCCAATGCTCAT-3'
Protein context (NP_000147.1, residues 94-114): GVFQRLRDWA[Pro104Leu]RQTHKVIPLK

ClinVar aggregate classification (germline): Uncertain significance. Review status: criteria provided, multiple submitters, no conflicts (2 of 4 stars). 4 submissions from 4 submitters: Uncertain significance (3). 1 of the submissions does not count toward it. Last evaluated 2024-08-10.

Conditions:
Inborn genetic diseases. Identifiers: MedGen C0950123, MeSH D030342.
Cerebral creatine deficiency syndrome. Also called: Creatine deficiency syndromes. Identifiers: Orphanet 79172, MedGen C5244016, MONDO:0000456.
Deficiency of guanidinoacetate methyltransferase (CCDS2). Also called: GAMT DEFICIENCY; CEREBRAL CREATINE DEFICIENCY SYNDROME 2; Guanidinoacetate Methyltransferase (GAMT) Deficiency. Identifiers: Orphanet 382, MedGen C0574080, MONDO:0012999, OMIM 612736.

Allele frequency attached by ClinVar (database versions not stated): ExAC 0.00012; gnomAD exomes 0.00001 and 0.00004; TOPMed 0.00003; 1000 Genomes Project 0.00020; gnomAD 0.00001; 1000 Genomes Project 30x 0.00016.
gnomAD v4.1: 24 of 1,573,084 alleles (0.0015%); highest among the groups gnomAD compares: East Asian, 0.019%; no homozygotes.

Submissions (4):

Ambry Genetics
Classification: Uncertain significance for Inborn genetic diseases. Last evaluated: 2024-08-10. Review status: criteria provided, single submitter. Criteria: Ambry Variant Classification Scheme 2023. Collection method: clinical testing. Allele origin: germline.

Women's Health and Genetics/Laboratory Corporation of America, LabCorp
Classification: Uncertain significance. Last evaluated: 2024-03-03. Review status: criteria provided, single submitter. Criteria: LabCorp Variant Classification Summary - May 2015. Collection method: clinical testing. Allele origin: germline.

Labcorp Genetics (formerly Invitae), Labcorp
Classification: Uncertain significance for Cerebral creatine deficiency syndrome. Last evaluated: 2022-08-20. Review status: criteria provided, single submitter. Criteria: Invitae Variant Classification Sherloc (09022015). Collection method: clinical testing. Allele origin: germline.
Comment: This sequence change replaces proline, which is neutral and non-polar, with leucine, which is neutral and non-polar, at codon 104 of the GAMT protein (p.Pro104Leu). This variant is present in population databases (rs368864187, gnomAD 0.03%). This variant has not been reported in the literature in individuals affected with GAMT-related conditions. ClinVar contains an entry for this variant (Variation ID: 655963). Algorithms developed to predict the effect of missense changes on protein structure and function output the following: SIFT: "Tolerated"; PolyPhen-2: "Benign"; Align-GVGD: "Class C0". The leucine amino acid residue is found in multiple mammalian species, which suggests that this missense change does not adversely affect protein function. In summary, the available evidence is currently insufficient to determine the role of this variant in disease. Therefore, it has been classified as a Variant of Uncertain Significance.

Natera, Inc.
Classification: Uncertain significance for Guanidinoacetate methyltransferase deficiency. Last evaluated: 2021-06-23. Review status: no assertion criteria provided. Collection method: clinical testing. Allele origin: germline. Not counted in ClinVar's aggregate classification.